The following is an entry in ClinVar:

NM_004629.2(FANCG):c.1546G>A (p.Ala516Thr)

Gene: FANCG (FA complementation group G; minus strand). Cytogenetic location: 9p13.3.
Variant type: single nucleotide variant.
Coding change: c.1546G>A on transcript NM_004629.2 (MANE Select); coding-DNA position 1546, G replaced by A.
Protein change: p.Ala516Thr; replaces alanine 516 with threonine.
Molecular consequence: missense variant.
Genome position (GRCh38, 1-based): chr9:35,075,017, C>T on the plus strand (G>A on the coding strand, the complement: FANCG is on the minus strand). VCF-style: chr9-35075017-C-T. GRCh37 (hg19) VCF-style: chr9-35075014-C-T.
Other names: short protein forms A516T.
Identifiers: ClinVar variation 2043453 (VCV002043453.2), dbSNP rs199833626, ClinGen allele CA5039700.

ClinVar aggregate classification (germline): Uncertain significance. Review status: criteria provided, multiple submitters, no conflicts (2 of 4 stars). 2 submissions from 2 submitters: Uncertain significance (2). Last evaluated 2024-05-10.

Conditions:
Fanconi anemia (FA). Also called: Fanconi's anemia. Identifiers: Orphanet 84, MedGen C0015625, MeSH D005199, MONDO:0019391.
Fanconi anemia complementation group G. Also called: FANCG-Related Fanconi Anemia; Fanconi anemia group G. Identifiers: Orphanet 84, MedGen C3469527, MONDO:0013565, OMIM 614082.

Allele frequency attached by ClinVar (database versions not stated): TOPMed below 0.00001; gnomAD 0.00001; gnomAD exomes 0.00001; ExAC 0.00003; ESP Exome Variant Server 0.00008; 1000 Genomes Project 30x 0.00016; 1000 Genomes Project 0.00020.

Submissions (2):

Fulgent Genetics
Classification: Uncertain significance for Fanconi anemia complementation group G. Last evaluated: 2024-05-10. Review status: criteria provided, single submitter. Criteria: ACMG Guidelines, 2015. Collection method: clinical testing. Allele origin: germline.

Labcorp Genetics (formerly Invitae), Labcorp
Classification: Uncertain significance for Fanconi anemia. Last evaluated: 2022-06-02. Review status: criteria provided, single submitter. Criteria: Invitae Variant Classification Sherloc (09022015). Collection method: clinical testing. Allele origin: germline.
Comment: This sequence change replaces alanine, which is neutral and non-polar, with threonine, which is neutral and polar, at codon 516 of the FANCG protein (p.Ala516Thr). This variant is present in population databases (rs199833626, gnomAD 0.004%). This variant has not been reported in the literature in individuals affected with FANCG-related conditions. Algorithms developed to predict the effect of missense changes on protein structure and function output the following: SIFT: "Deleterious"; PolyPhen-2: "Benign"; Align-GVGD: "Class C0". The threonine amino acid residue is found in multiple mammalian species, which suggests that this missense change does not adversely affect protein function. In summary, the available evidence is currently insufficient to determine the role of this variant in disease. Therefore, it has been classified as a Variant of Uncertain Significance.